The following is an entry in ClinVar:

NM_033380.3(COL4A5):c.4232C>T (p.Pro1411Leu)

Gene: COL4A5 (collagen type IV alpha 5 chain; plus strand). Cytogenetic location: Xq22.3.
Variant type: single nucleotide variant.
Coding change: c.4232C>T on transcript NM_033380.3 (MANE Select); coding-DNA position 4232, C replaced by T.
Protein change: p.Pro1411Leu; replaces proline 1411 with leucine.
Molecular consequence: missense variant.
Genome position (GRCh38, 1-based): chrX:108,686,046, C>T. VCF-style: chrX-108686046-C-T. GRCh37 (hg19) VCF-style: chrX-107929276-C-T.
Other names: c.4214C>T, p.Pro1405Leu (NM_000495.5); c.4214C>T (NM_000495.3); short protein forms P1405L, P1411L.
Identifiers: ClinVar variation 1414085 (VCV001414085.4), dbSNP rs2147989213, ClinGen allele CA413853434.

ClinVar aggregate classification (germline): Uncertain significance. Review status: criteria provided, multiple submitters, no conflicts (2 of 4 stars). 2 submissions from 2 submitters: Uncertain significance (2). Last evaluated 2025-12-02.

Conditions:
Inborn genetic diseases. Identifiers: MedGen C0950123, MeSH D030342.

Submissions (2):

Ambry Genetics
Classification: Uncertain significance for Inborn genetic diseases. Last evaluated: 2025-12-02. Review status: criteria provided, single submitter. Criteria: Ambry Variant Classification Scheme 2023. Collection method: clinical testing. Allele origin: germline.

Labcorp Genetics (formerly Invitae), Labcorp
Classification: Uncertain significance. Last evaluated: 2021-07-22. Review status: criteria provided, single submitter. Criteria: Invitae Variant Classification Sherloc (09022015). Collection method: clinical testing. Allele origin: germline.
Comment: This sequence change replaces proline with leucine at codon 1405 of the COL4A5 protein (p.Pro1405Leu). The proline residue is highly conserved and there is a moderate physicochemical difference between proline and leucine. This variant is not present in population databases (ExAC no frequency). This variant has not been reported in the literature in individuals affected with COL4A5-related conditions. Advanced modeling of protein sequence and biophysical properties (such as structural, functional, and spatial information, amino acid conservation, physicochemical variation, residue mobility, and thermodynamic stability) performed at Invitae indicates that this missense variant is not expected to disrupt COL4A5 protein function. In summary, the available evidence is currently insufficient to determine the role of this variant in disease. Therefore, it has been classified as a Variant of Uncertain Significance.